The following is an entry in ClinVar:

ClinVar aggregate classification (germline): Uncertain significance (1 of 4 stars; one submission).

Conditions:
Ataxia-telangiectasia syndrome (AT). Also called: LOUIS-BAR SYNDROME; Cerebello-oculocutaneous telangiectasia; Immunodeficiency with ataxia telangiectasia; Ataxia telangiectasia (A-T); Ataxia-telangiectasia, complementation group D; AT, COMPLEMENTATION GROUP C. Identifiers: Orphanet 100, MedGen C0004135, MONDO:0008840, OMIM 208900.

Submission:

Labcorp Genetics (formerly Invitae), Labcorp
Classification: Uncertain significance for Ataxia-telangiectasia syndrome. Last evaluated: 2025-10-26. Review status: criteria provided, single submitter. Criteria: Invitae Variant Classification Sherloc (09022015). Collection method: clinical testing. Allele origin: germline.
Comment: This sequence change replaces glutamic acid, which is acidic and polar, with glycine, which is neutral and non-polar, at codon 2837 of the ATM protein (p.Glu2837Gly). This variant is not present in population databases (gnomAD no frequency). This variant has not been reported in the literature in individuals affected with ATM-related conditions. ClinVar contains an entry for this variant (Variation ID: 2708236). Invitae Evidence Modeling of protein sequence and biophysical properties (such as structural, functional, and spatial information, amino acid conservation, physicochemical variation, residue mobility, and thermodynamic stability) indicates that this missense variant is expected to disrupt ATM protein function with a positive predictive value of 95%. In summary, the available evidence is currently insufficient to determine the role of this variant in disease. Therefore, it has been classified as a Variant of Uncertain Significance.

NM_000051.4(ATM):c.8510A>G (p.Glu2837Gly)

Genes: ATM (ATM serine/threonine kinase; plus strand), C11orf65 (chromosome 11 open reading frame 65; minus strand). Cytogenetic location: 11q22.3.
Variant type: single nucleotide variant.
Coding change: c.8510A>G on transcript NM_000051.4 (MANE Select); coding-DNA position 8510, A replaced by G.
Protein change: p.Glu2837Gly; replaces glutamic acid 2837 with glycine.
Molecular consequence: missense variant. On other transcripts: intron variant (2).
Genome position (GRCh38, 1-based): chr11:108,345,834, A>G. VCF-style: chr11-108345834-A-G. GRCh37 (hg19) VCF-style: chr11-108216561-A-G.
Other names: c.8510A>G, p.Glu2837Gly (NM_001351834.2); c.641-36763T>C (NM_001330368.2); c.695-10542T>C (NM_001351110.2); short protein forms E2837G.
Identifiers: ClinVar variation 2708236 (VCV002708236.3), dbSNP rs2137032210, ClinGen allele CA382518240.